The following is an entry in ClinVar:

ClinVar aggregate classification (germline): Uncertain significance (1 of 4 stars; one submission).

Conditions:
Deficiency of alpha-mannosidase (MANSA). Also called: Alpha-Mannosidosis; Mannosidosis, alpha-, types I and II; LYSOSOMAL ALPHA-D-MANNOSIDASE DEFICIENCY. Identifiers: Orphanet 61, MedGen C0024748, MONDO:0009561, OMIM 248500.

Submission:

Labcorp Genetics (formerly Invitae), Labcorp
Classification: Uncertain significance for Deficiency of alpha-mannosidase. Last evaluated: 2023-07-17. Review status: criteria provided, single submitter. Criteria: Invitae Variant Classification Sherloc (09022015). Collection method: clinical testing. Allele origin: germline.
Comment: This variant is not present in population databases (gnomAD no frequency). In summary, the available evidence is currently insufficient to determine the role of this variant in disease. Therefore, it has been classified as a Variant of Uncertain Significance. Advanced modeling of protein sequence and biophysical properties (such as structural, functional, and spatial information, amino acid conservation, physicochemical variation, residue mobility, and thermodynamic stability) performed at Invitae indicates that this missense variant is not expected to disrupt MAN2B1 protein function. ClinVar contains an entry for this variant (Variation ID: 1433910). This variant has not been reported in the literature in individuals affected with MAN2B1-related conditions. This sequence change replaces asparagine, which is neutral and polar, with histidine, which is basic and polar, at codon 665 of the MAN2B1 protein (p.Asn665His).

NM_000528.4(MAN2B1):c.1993A>C (p.Asn665His)

Gene: MAN2B1 (mannosidase alpha class 2B member 1; minus strand). Cytogenetic location: 19p13.13.
Variant type: single nucleotide variant.
Coding change: c.1993A>C on transcript NM_000528.4 (MANE Select); coding-DNA position 1993, A replaced by C.
Protein change: p.Asn665His; replaces asparagine 665 with histidine.
Molecular consequence: missense variant.
Genome position (GRCh38, 1-based): chr19:12,652,206, T>G on the plus strand (A>C on the coding strand, the complement: MAN2B1 is on the minus strand). VCF-style: chr19-12652206-T-G. GRCh37 (hg19) VCF-style: chr19-12763020-T-G.
Other names: c.1990A>C, p.Asn664His (NM_001173498.2); short protein forms N664H, N665H.
Identifiers: ClinVar variation 1433910 (VCV001433910.6), dbSNP rs2023853658, ClinGen allele CA404244103.